The following is an entry in ClinVar:

NM_007286.6(SYNPO):c.571T>A (p.Ser191Thr)

Gene: SYNPO (synaptopodin; plus strand). Cytogenetic location: 5q33.1.
Variant type: single nucleotide variant.
Coding change: c.571T>A on transcript NM_007286.6 (MANE Select); coding-DNA position 571, T replaced by A.
Protein change: p.Ser191Thr; replaces serine 191 with threonine.
Molecular consequence: missense variant.
Genome position (GRCh38, 1-based): chr5:150,648,846, T>A. VCF-style: chr5-150648846-T-A. GRCh37 (hg19) VCF-style: chr5-150028408-T-A.
Other names: c.571T>A, p.Ser191Thr (NM_001109974.3); c.1303T>A, p.Ser435Thr (NM_001166208.2, NM_001166209.2); short protein forms S435T, S191T.
Identifiers: ClinVar variation 2064634 (VCV002064634.28), dbSNP rs201230432, ClinGen allele CA3513249.

ClinVar aggregate classification (germline): Benign/Likely benign. Review status: criteria provided, multiple submitters, no conflicts (2 of 4 stars). 2 submissions from 2 submitters: Benign (1); Likely benign (1). Last evaluated 2025-12-22.

Allele frequency attached by ClinVar (database versions not stated): ESP Exome Variant Server 0.00038; gnomAD 0.00055; 1000 Genomes Project 30x 0.00062; 1000 Genomes Project 0.00080; ExAC 0.00127.
gnomAD v4.1: 1,225 of 1,614,128 alleles (0.076%); highest among the groups gnomAD compares: South Asian, 0.6%; 9 homozygotes.

Submissions (2):

Labcorp Genetics (formerly Invitae), Labcorp
Classification: Benign. Last evaluated: 2025-12-22. Review status: criteria provided, single submitter. Criteria: Invitae Variant Classification Sherloc (09022015). Collection method: clinical testing. Allele origin: germline.

CeGaT Center for Human Genetics Tuebingen
Classification: Likely benign. Last evaluated: 2022-10-01. Review status: criteria provided, single submitter. Criteria: CeGaT Center For Human Genetics Tuebingen Variant Classification Criteria Version 2. Collection method: clinical testing. Allele origin: germline. Affected: yes. Observed: 1 variant allele.
Comment: SYNPO: BP4, BS2